The following is an entry in ClinVar:

NM_005763.4(AASS):c.1048G>A (p.Val350Met)

Gene: AASS (aminoadipate-semialdehyde synthase; minus strand). Cytogenetic location: 7q31.32.
Variant type: single nucleotide variant.
Coding change: c.1048G>A on transcript NM_005763.4 (MANE Select); coding-DNA position 1048, G replaced by A.
Protein change: p.Val350Met; replaces valine 350 with methionine.
Molecular consequence: missense variant.
Genome position (GRCh38, 1-based): chr7:122,113,716, C>T on the plus strand (G>A on the coding strand, the complement: AASS is on the minus strand). VCF-style: chr7-122113716-C-T. GRCh37 (hg19) VCF-style: chr7-121753770-C-T.
Other names: c.1048G>A (NM_005763.3); short protein forms V350M.
Identifiers: ClinVar variation 973452 (VCV000973452.5), dbSNP rs780164559, ClinGen allele CA4458465.

ClinVar aggregate classification (germline): Uncertain significance. Review status: criteria provided, multiple submitters, no conflicts (2 of 4 stars). 3 submissions from 3 submitters: Uncertain significance (3). Last evaluated 2026-02-03.

Conditions:
Hyperlysinemia. Also called: Hyperlysinemias. Identifiers: Orphanet 2203, MedGen C0268553, MONDO:0009388, HP:0002161.
Saccharopinuria. Also called: HYPERLYSINEMIA, TYPE II; SACCHAROPINE DEHYDROGENASE DEFICIENCY. Identifiers: Orphanet 3124, MedGen C0268556, MONDO:0010005, OMIM 268700.

Allele frequency attached by ClinVar (database versions not stated): gnomAD exomes 0.00006 and 0.00030; ExAC 0.00019; TOPMed 0.00018.
gnomAD v4.1: 98 of 1,612,260 alleles (0.0061%); highest among the groups gnomAD compares: Admixed American, 0.13%; 1 homozygote.

Submissions (3):

GeneDx
Classification: Uncertain significance. Last evaluated: 2026-02-03. Review status: criteria provided, single submitter. Criteria: GeneDx Variant Classification Process June 2021. Collection method: clinical testing. Allele origin: germline.
Comment: In silico analysis suggests that this missense variant does not alter protein structure/function; Has not been previously published as pathogenic or benign to our knowledge

Labcorp Genetics (formerly Invitae), Labcorp
Classification: Uncertain significance. Last evaluated: 2022-06-01. Review status: criteria provided, single submitter. Criteria: Invitae Variant Classification Sherloc (09022015). Collection method: clinical testing. Allele origin: germline.
Comment: This sequence change replaces valine, which is neutral and non-polar, with methionine, which is neutral and non-polar, at codon 350 of the AASS protein (p.Val350Met). The frequency data for this variant in the population databases is considered unreliable, as metrics indicate poor data quality at this position in the gnomAD database. This variant has not been reported in the literature in individuals affected with AASS-related conditions. ClinVar contains an entry for this variant (Variation ID: 973452). Algorithms developed to predict the effect of missense changes on protein structure and function (SIFT, PolyPhen-2, Align-GVGD) all suggest that this variant is likely to be tolerated. In summary, the available evidence is currently insufficient to determine the role of this variant in disease. Therefore, it has been classified as a Variant of Uncertain Significance.

Elsea Laboratory, Baylor College of Medicine
Classification: Uncertain significance for HYPERLYSINEMIA, TYPE I; Saccharopinuria. Last evaluated: 2020-04-01. Review status: criteria provided, single submitter. Criteria: ACMG Guidelines, 2015. Collection method: clinical testing. Allele origin: germline. Affected: no.